The following is an entry in ClinVar:

NM_014806.5(RUSC2):c.3428G>A (p.Ser1143Asn)

Gene: RUSC2 (RUN and SH3 domain containing 2; plus strand). Cytogenetic location: 9p13.3.
Variant type: single nucleotide variant.
Coding change: c.3428G>A on transcript NM_014806.5 (MANE Select); coding-DNA position 3428, G replaced by A.
Protein change: p.Ser1143Asn; replaces serine 1143 with asparagine.
Molecular consequence: missense variant. On other transcripts: non-coding transcript variant (1).
Genome position (GRCh38, 1-based): chr9:35,560,068, G>A. VCF-style: chr9-35560068-G-A. GRCh37 (hg19) VCF-style: chr9-35560065-G-A.
Other names: c.3428G>A (NM_001135999.1); c.3428G>A, p.Ser1143Asn (NM_001135999.2); c.794G>A, p.Ser265Asn (NM_001330740.2); short protein forms S265N, S1143N.
Identifiers: ClinVar variation 1465045 (VCV001465045.7), dbSNP rs2131705425, ClinGen allele CA373352499.

ClinVar aggregate classification (germline): Uncertain significance. Review status: criteria provided, multiple submitters, no conflicts (2 of 4 stars). 2 submissions from 2 submitters: Uncertain significance (2). Last evaluated 2024-12-05.

Allele frequency attached by ClinVar (database versions not stated): gnomAD exomes below 0.00001.
gnomAD v4.1: 3 of 1,612,378 alleles (0.00019%); highest among the groups gnomAD compares: East Asian, 0.0022%; no homozygotes.

Submissions (2):

Ambry Genetics
Classification: Uncertain significance. Last evaluated: 2024-12-05. Review status: criteria provided, single submitter. Criteria: Ambry Variant Classification Scheme 2023. Collection method: clinical testing. Allele origin: germline.

Labcorp Genetics (formerly Invitae), Labcorp
Classification: Uncertain significance. Last evaluated: 2021-08-02. Review status: criteria provided, single submitter. Criteria: Invitae Variant Classification Sherloc (09022015). Collection method: clinical testing. Allele origin: germline.
Comment: This sequence change replaces serine with asparagine at codon 1143 of the RUSC2 protein (p.Ser1143Asn). The serine residue is weakly conserved and there is a small physicochemical difference between serine and asparagine. In summary, the available evidence is currently insufficient to determine the role of this variant in disease. Therefore, it has been classified as a Variant of Uncertain Significance. Algorithms developed to predict the effect of missense changes on protein structure and function output the following: SIFT: "Tolerated"; PolyPhen-2: "Benign"; Align-GVGD: "Class C0". The asparagine amino acid residue is found in multiple mammalian species, which suggests that this missense change does not adversely affect protein function. This variant has not been reported in the literature in individuals affected with RUSC2-related conditions. This variant is not present in population databases (ExAC no frequency).